The following is an entry in ClinVar:

ClinVar aggregate classification (germline): Likely pathogenic (1 of 4 stars; one submission).

Submission:

Labcorp Genetics (formerly Invitae), Labcorp
Classification: Likely pathogenic. Last evaluated: 2023-12-09. Review status: criteria provided, single submitter. Criteria: Invitae Variant Classification Sherloc (09022015). Collection method: clinical testing. Allele origin: germline.
Comment: This sequence change affects an acceptor splice site in intron 17 of the TMC1 gene. It is expected to disrupt RNA splicing. Variants that disrupt the donor or acceptor splice site typically lead to a loss of protein function (PMID: 16199547), and loss-of-function variants in TMC1 are known to be pathogenic (PMID: 11850618, 22105175). This variant is not present in population databases (gnomAD no frequency). This variant has not been reported in the literature in individuals affected with TMC1-related conditions. Algorithms developed to predict the effect of sequence changes on RNA splicing suggest that this variant may disrupt the consensus splice site. In summary, the currently available evidence indicates that the variant is pathogenic, but additional data are needed to prove that conclusively. Therefore, this variant has been classified as Likely Pathogenic.

Literature cited by the submitters: PubMed 16199547; PubMed 11850618; PubMed 22105175.

NM_138691.3(TMC1):c.1567-1G>A

Gene: TMC1 (transmembrane channel like 1; plus strand). Cytogenetic location: 9q21.13.
Variant type: single nucleotide variant.
Coding change: c.1567-1G>A on transcript NM_138691.3 (MANE Select); the canonical splice acceptor site of the intron before coding-DNA position 1567, G replaced by A.
Molecular consequence: splice acceptor variant.
Genome position (GRCh38, 1-based): chr9:72,805,381, G>A. VCF-style: chr9-72805381-G-A. GRCh37 (hg19) VCF-style: chr9-75420297-G-A.
Identifiers: ClinVar variation 2701683 (VCV002701683.3), dbSNP rs2489957810, ClinGen allele CA373667498.